The following is an entry in ClinVar:

NM_000165.5(GJA1):c.978_980delinsAGC (p.Ile327Ala)

Gene: GJA1 (gap junction protein alpha 1; plus strand). Cytogenetic location: 6q22.31.
Variant type: Indel.
Coding change: c.978_980delinsAGC on transcript NM_000165.5 (MANE Select); coding-DNA positions 978 to 980, CAT replaced by AGC.
Protein change: p.Ile327Ala; replaces isoleucine 327 with alanine.
Molecular consequence: missense variant.
Genome position (GRCh38, 1-based): chr6:121,447,825-121,447,827, CAT replaced by AGC. VCF-style: chr6-121447825-CAT-AGC. GRCh37 (hg19) VCF-style: chr6-121768971-CAT-AGC.
Other names: short protein forms I327A.
Identifiers: ClinVar variation 4738080 (VCV004738080.1).

ClinVar aggregate classification (germline): Uncertain significance (1 of 4 stars; one submission).

Conditions:
Oculodentodigital dysplasia, autosomal recessive. Also called: OCULODENTOOSSEOUS DYSPLASIA, AUTOSOMAL RECESSIVE; ODDD, AUTOSOMAL RECESSIVE; ODOD, AUTOSOMAL RECESSIVE. Identifiers: Orphanet 2710, MedGen C2749477, MONDO:0009768, OMIM 257850.

Submission:

Labcorp Genetics (formerly Invitae), Labcorp
Classification: Uncertain significance for Oculodentodigital dysplasia, autosomal recessive. Last evaluated: 2025-06-22. Review status: criteria provided, single submitter. Criteria: Invitae Variant Classification Sherloc (09022015). Collection method: clinical testing. Allele origin: germline.
Comment: This sequence change replaces isoleucine, which is neutral and non-polar, with alanine, which is neutral and non-polar, at codon 327 of the GJA1 protein (p.Ile327Ala). Information on the frequency of this variant in the gnomAD database is not available, as this variant may be reported differently in the database. This variant has not been reported in the literature in individuals affected with GJA1-related conditions. Experimental studies and prediction algorithms are not available or were not evaluated, and the functional significance of this variant is currently unknown. In summary, the available evidence is currently insufficient to determine the role of this variant in disease. Therefore, it has been classified as a Variant of Uncertain Significance.